The following is an entry in ClinVar:

ClinVar aggregate classification (germline): Benign (1 of 4 stars; one submission).

Conditions:
Familial cancer of breast. Also called: BREAST CANCER, FAMILIAL; Hereditary breast cancer; hereditary breast carcinoma. Identifiers: Orphanet 227535, MedGen C0346153, MONDO:0016419, OMIM 114480. Disease mechanism: loss of function.

Submission:

Myriad Genetics, Inc.
Classification: Benign for Familial cancer of breast. Last evaluated: 2024-05-14. Review status: criteria provided, single submitter. Criteria: Myriad Autosomal Dominant, Autosomal Recessive and X-Linked Classification Criteria (2023). Collection method: clinical testing. Allele origin: unknown.
Comment: This variant is considered benign. This variant is a silent/synonymous amino acid change and it is not expected to impact splicing.

NM_000051.4(ATM):c.3270A>T (p.Ala1090=)

Gene: ATM (ATM serine/threonine kinase; plus strand). Cytogenetic location: 11q22.3.
Variant type: single nucleotide variant.
Coding change: c.3270A>T on transcript NM_000051.4 (MANE Select); coding-DNA position 3270, A replaced by T.
Protein change: p.Ala1090=; no amino-acid change (alanine 1090 retained).
Molecular consequence: synonymous variant.
Genome position (GRCh38, 1-based): chr11:108,272,838, A>T. VCF-style: chr11-108272838-A-T. GRCh37 (hg19) VCF-style: chr11-108143565-A-T.
Other names: c.3270A>T, p.Ala1090= (NM_001351834.2).
Identifiers: ClinVar variation 3254195 (VCV003254195.1), dbSNP rs997005308.